The following is an entry in ClinVar:

ClinVar aggregate classification (germline): Uncertain significance. Review status: criteria provided, multiple submitters, no conflicts (2 of 4 stars). 3 submissions from 3 submitters: Uncertain significance (3). Last evaluated 2026-01-06.

Conditions:
Hereditary cancer-predisposing syndrome. Also called: Neoplastic Syndromes, Hereditary; Tumor predisposition; Hereditary neoplastic syndrome; Hereditary Cancer Syndrome. Identifiers: Orphanet 140162, MedGen C0027672, MeSH D009386, MONDO:0015356.
Endometrial carcinoma. Also called: Endometrial carcinoma, somatic. Identifiers: MedGen C0476089, MONDO:0002447, OMIM 608089, HP:0012114.
Hereditary nonpolyposis colorectal neoplasms. Identifiers: MedGen C0009405, MeSH D003123.

Allele frequency attached by ClinVar (database versions not stated): TOPMed below 0.00001.
gnomAD v4.1: 1 of 1,614,136 alleles (0.000062%); highest among the groups gnomAD compares: Non-Finnish European, 0.000085%; no homozygotes.

Submissions (3):

Labcorp Genetics (formerly Invitae), Labcorp
Classification: Uncertain significance for Hereditary nonpolyposis colorectal neoplasms. Last evaluated: 2026-01-06. Review status: criteria provided, single submitter. Criteria: Invitae Variant Classification Sherloc (09022015). Collection method: clinical testing. Allele origin: germline.
Comment: This sequence change replaces leucine, which is neutral and non-polar, with valine, which is neutral and non-polar, at codon 1167 of the MSH6 protein (p.Leu1167Val). This variant is not present in population databases (gnomAD no frequency). This variant has not been reported in the literature in individuals affected with MSH6-related conditions. ClinVar contains an entry for this variant (Variation ID: 823849). Invitae Evidence Modeling of protein sequence and biophysical properties (such as structural, functional, and spatial information, amino acid conservation, physicochemical variation, residue mobility, and thermodynamic stability) has been performed for this missense variant. However, the output from this modeling did not meet the statistical confidence thresholds required to predict the impact of this variant on MSH6 protein function. In summary, the available evidence is currently insufficient to determine the role of this variant in disease. Therefore, it has been classified as a Variant of Uncertain Significance.

Ambry Genetics
Classification: Uncertain significance for Hereditary cancer-predisposing syndrome. Last evaluated: 2024-07-28. Review status: criteria provided, single submitter. Criteria: Ambry Variant Classification Scheme 2023. Collection method: clinical testing. Allele origin: germline.
Comment: The p.L1167V variant (also known as c.3499C>G), located in coding exon 6 of the MSH6 gene, results from a C to G substitution at nucleotide position 3499. The leucine at codon 1167 is replaced by valine, an amino acid with highly similar properties. This amino acid position is well conserved in available vertebrate species. In addition, the in silico prediction for this alteration is inconclusive. Since supporting evidence is limited at this time, the clinical significance of this alteration remains unclear.

Baylor Genetics
Classification: Uncertain significance for Endometrial carcinoma. Last evaluated: 2023-06-28. Review status: criteria provided, single submitter. Criteria: ACMG Guidelines, 2015. Collection method: clinical testing. Allele origin: unknown.

NM_000179.3(MSH6):c.3499C>G (p.Leu1167Val)

Gene: MSH6 (mutS homolog 6; plus strand). Cytogenetic location: 2p16.3.
Variant type: single nucleotide variant.
Coding change: c.3499C>G on transcript NM_000179.3 (MANE Select); coding-DNA position 3499, C replaced by G.
Protein change: p.Leu1167Val; replaces leucine 1167 with valine.
Molecular consequence: missense variant.
Genome position (GRCh38, 1-based): chr2:47,804,970, C>G. VCF-style: chr2-47804970-C-G. GRCh37 (hg19) VCF-style: chr2-48032109-C-G.
Other names: c.3109C>G, p.Leu1037Val (NM_001281492.2); c.2593C>G, p.Leu865Val (NM_001281493.2, NM_001281494.2); short protein forms L1037V, L1167V, L865V.
Identifiers: ClinVar variation 823849 (VCV000823849.13), dbSNP rs1553332217, ClinGen allele CA346760167.